The following is an entry in ClinVar:

NM_015409.5(EP400):c.8184GCA[13] (p.Gln2748del)

Gene: EP400 (E1A binding protein p400; plus strand). Cytogenetic location: 12q24.33.
Variant type: Microsatellite.
Coding change: c.8184GCA[13] on transcript NM_015409.5 (MANE Select); 13 copies in a row of the 3-base unit GCA starting at c.8184; the reference has 14 copies in a row; one copy, 3 bases deleted.
Protein change: p.Gln2748del; deletes glutamine 2748.
Genome position (GRCh38, 1-based): chr12:132,062,590-132,062,592, GCA deleted; deleting any 3 consecutive bases within chr12:132,062,549-132,062,592 gives the same sequence; the position shown is the placement nearest the transcript's 3' end. VCF-style (leftmost placement, unchanged base first): chr12-132062548-ACAG-A. GRCh37 (hg19) VCF-style: chr12-132547093-ACAG-A.
Other names: short protein forms Q2748del.
Identifiers: ClinVar variation 3056531 (VCV003056531.2), dbSNP rs528214697, ClinGen allele CA246197036.

ClinVar aggregate classification (germline): Benign (0 of 4 stars; one submission).

Conditions:
EP400-related disorder. Also called: EP400-related condition.

Submission:

PreventionGenetics, part of Exact Sciences
Classification: Benign for EP400-related condition. Last evaluated: 2019-10-31. Review status: no assertion criteria provided. Collection method: clinical testing. Allele origin: germline.
Comment: This variant is classified as benign based on ACMG/AMP sequence variant interpretation guidelines (Richards et al. 2015 PMID: 25741868, with internal and published modifications).